The following is an entry in ClinVar:

NM_005402.4(RALA):c.613A>G (p.Ile205Val)

Gene: RALA (RAS like proto-oncogene A; plus strand). Cytogenetic location: 7p14.1.
Variant type: single nucleotide variant.
Coding change: c.613A>G on transcript NM_005402.4 (MANE Select); coding-DNA position 613, A replaced by G.
Protein change: p.Ile205Val; replaces isoleucine 205 with valine.
Molecular consequence: missense variant.
Genome position (GRCh38, 1-based): chr7:39,706,237, A>G. VCF-style: chr7-39706237-A-G. GRCh37 (hg19) VCF-style: chr7-39745836-A-G.
Other names: short protein forms I205V.
Identifiers: ClinVar variation 4810432 (VCV004810432.1).

ClinVar aggregate classification (germline): Uncertain significance (1 of 4 stars; one submission).

Submission:

Labcorp Genetics (formerly Invitae), Labcorp
Classification: Uncertain significance. Last evaluated: 2025-03-20. Review status: criteria provided, single submitter. Criteria: Invitae Variant Classification Sherloc (09022015). Collection method: clinical testing. Allele origin: germline.
Comment: This sequence change replaces isoleucine, which is neutral and non-polar, with valine, which is neutral and non-polar, at codon 205 of the RALA protein (p.Ile205Val). This variant is not present in population databases (gnomAD no frequency). This variant has not been reported in the literature in individuals affected with RALA-related conditions. Invitae Evidence Modeling of protein sequence and biophysical properties (such as structural, functional, and spatial information, amino acid conservation, physicochemical variation, residue mobility, and thermodynamic stability) indicates that this missense variant is not expected to disrupt RALA protein function with a negative predictive value of 95%. In summary, the available evidence is currently insufficient to determine the role of this variant in disease. Therefore, it has been classified as a Variant of Uncertain Significance.